The following is an entry in ClinVar:

ClinVar aggregate classification (germline): Uncertain significance. Review status: criteria provided, multiple submitters, no conflicts (2 of 4 stars). 4 submissions from 4 submitters: Uncertain significance (4). Last evaluated 2026-08-19.

Conditions:
Retinitis pigmentosa 71 (RP71). Identifiers: Orphanet 791, MedGen C4225342, MONDO:0014618, OMIM 616394.
Short-rib thoracic dysplasia 10 with or without polydactyly (SRTD10). Identifiers: Orphanet 474, MedGen C3810175, MONDO:0014284, OMIM 615630.
IFT172-related disorder. Also called: IFT172-related disorders; IFT172-related condition.
Bardet-Biedl syndrome 20. Identifiers: MedGen C4310707, MONDO:0023670, OMIM 619471, MONDO:0014926.

Allele frequency attached by ClinVar (database versions not stated): gnomAD exomes 0.00001; gnomAD 0.00002; TOPMed 0.00002.
gnomAD v4.1: 21 of 1,613,912 alleles (0.0013%); highest among the groups gnomAD compares: Non-Finnish European, 0.0018%; no homozygotes.

Submissions (4):

PreventionGenetics, part of Exact Sciences
Classification: Uncertain significance for IFT172-related condition. Last evaluated: 2026-08-19. Review status: criteria provided, single submitter. Criteria: ACMG Guidelines, 2015. Collection method: clinical testing. Allele origin: germline.
Comment: The IFT172 c.412G>A variant is predicted to result in the amino acid substitution p.Ala138Thr. To our knowledge, this variant has not been reported in the literature or in a large population database (gnomAD), indicating this variant is rare. At this time, the clinical significance of this variant is uncertain due to the absence of conclusive functional and genetic evidence.

Fulgent Genetics
Classification: Uncertain significance for Short-rib thoracic dysplasia 10 with or without polydactyly; Retinitis pigmentosa 71; Bardet-Biedl syndrome 20. Last evaluated: 2022-04-06. Review status: criteria provided, single submitter. Criteria: ACMG Guidelines, 2015. Collection method: clinical testing. Allele origin: unknown.

Labcorp Genetics (formerly Invitae), Labcorp
Classification: Uncertain significance for Retinitis pigmentosa 71; Short-rib thoracic dysplasia 10 with or without polydactyly. Last evaluated: 2022-02-24. Review status: criteria provided, single submitter. Criteria: Invitae Variant Classification Sherloc (09022015). Collection method: clinical testing. Allele origin: germline.
Comment: This sequence change replaces alanine, which is neutral and non-polar, with threonine, which is neutral and polar, at codon 138 of the IFT172 protein (p.Ala138Thr). This variant is not present in population databases (gnomAD no frequency). This variant has not been reported in the literature in individuals affected with IFT172-related conditions. Algorithms developed to predict the effect of missense changes on protein structure and function are either unavailable or do not agree on the potential impact of this missense change (SIFT: "Tolerated"; PolyPhen-2: "Probably Damaging"; Align-GVGD: "Class C0"). In summary, the available evidence is currently insufficient to determine the role of this variant in disease. Therefore, it has been classified as a Variant of Uncertain Significance.

Blueprint Genetics
Classification: Uncertain significance. Last evaluated: 2022-02-22. Review status: criteria provided, single submitter. Criteria: ACMG Guidelines, 2015. Collection method: clinical testing. Allele origin: germline.

NM_015662.3(IFT172):c.412G>A (p.Ala138Thr)

Gene: IFT172 (intraflagellar transport 172; minus strand). Cytogenetic location: 2p23.3.
Variant type: single nucleotide variant.
Coding change: c.412G>A on transcript NM_015662.3 (MANE Select); coding-DNA position 412, G replaced by A.
Protein change: p.Ala138Thr; replaces alanine 138 with threonine.
Molecular consequence: missense variant.
Genome position (GRCh38, 1-based): chr2:27,483,650, C>T on the plus strand (G>A on the coding strand, the complement: IFT172 is on the minus strand). VCF-style: chr2-27483650-C-T. GRCh37 (hg19) VCF-style: chr2-27706517-C-T.
Other names: c.412G>A (NM_015662.2); short protein forms A138T.
Identifiers: ClinVar variation 1385793 (VCV001385793.8), dbSNP rs1461000488, ClinGen allele CA346400859.
Genomic context (GRCh38, chr2:27,483,650, plus strand): 5'-GGGACACCACGTAAGACTCTGTCCCATAGATGGTAGATGATTTATTAGTTTTGGTGTTTG[C>T]TAAACGAACCTGAAAATGGAAAAATTGATACAAGTATGGTTAGGCTATTTTATATTTAAC-3'
Protein context (NP_056477.1, residues 128-148): FGLAEGKVRL[Ala138Thr]NTKTNKSSTI